The following is an entry in ClinVar:

NM_002907.4(RECQL):c.922_923dup (p.Asn309fs)

Gene: RECQL (RecQ like helicase; minus strand). Cytogenetic location: 12p12.1.
Variant type: Duplication.
Coding change: c.922_923dup on transcript NM_002907.4 (MANE Select); coding-DNA positions 922 to 923, 2 bases duplicated (AT; older notation c.922_923dupAT).
Protein change: p.Asn309fs; shifts the reading frame from asparagine 309.
Molecular consequence: frameshift variant.
Genome position (GRCh38, 1-based): chr12:21,476,937-21,476,938, AT duplicated on the plus strand (AT on the coding strand, the reverse complement: RECQL is on the minus strand). VCF-style (leftmost placement, unchanged base first): chr12-21476936-A-AAT. GRCh37 (hg19) VCF-style: chr12-21629870-A-AAT.
Other names: c.922_923dup, p.Asn309fs (NM_032941.3); short protein forms N309fs.
Identifiers: ClinVar variation 2586014 (VCV002586014.3), dbSNP rs2540351864, ClinGen allele CA2582342490.

ClinVar aggregate classification (germline): Uncertain significance. Review status: criteria provided, multiple submitters, no conflicts (2 of 4 stars). 2 submissions from 2 submitters: Uncertain significance (2). Last evaluated 2025-06-15.

Submissions (2):

Labcorp Genetics (formerly Invitae), Labcorp
Classification: Uncertain significance. Last evaluated: 2025-06-15. Review status: criteria provided, single submitter. Criteria: Invitae Variant Classification Sherloc (09022015). Collection method: clinical testing. Allele origin: germline.
Comment: This sequence change creates a premature translational stop signal (p.Asn309Leufs*60) in the RECQL gene. It is expected to result in an absent or disrupted protein product. However, the current clinical and genetic evidence is not sufficient to establish whether loss-of-function variants in RECQL cause disease. This variant is not present in population databases (gnomAD no frequency). This variant has not been reported in the literature in individuals affected with RECQL-related conditions. ClinVar contains an entry for this variant (Variation ID: 2586014). In summary, the available evidence is currently insufficient to determine the role of this variant in disease. Therefore, it has been classified as a Variant of Uncertain Significance.

Ambry Genetics
Classification: Uncertain significance. Last evaluated: 2023-08-15. Review status: criteria provided, single submitter. Criteria: Ambry Variant Classification Scheme 2023. Collection method: clinical testing. Allele origin: germline.
Comment: The c.922_923dupAT variant, located in coding exon 7 of the RECQL gene, results from a duplication of AT at nucleotide position 922, causing a translational frameshift with a predicted alternate stop codon (p.N309Lfs*60). This variant is considered to be rare based on population cohorts in the Genome Aggregation Database (gnomAD). This alteration is expected to result in loss of function by premature protein truncation or nonsense-mediated mRNA decay. The evidence for this gene-disease relationship is limited; therefore, the clinical significance of this alteration is unclear.